The following is an entry in ClinVar:

ClinVar aggregate classification (germline): Pathogenic (1 of 4 stars; one submission).

Allele frequency attached by ClinVar (database versions not stated): gnomAD exomes below 0.00001; gnomAD 0.00001.
gnomAD v4.1: 6 of 1,613,362 alleles (0.00037%); highest among the groups gnomAD compares: African/African-American, 0.004%; no homozygotes.

Submission:

Labcorp Genetics (formerly Invitae), Labcorp
Classification: Pathogenic. Last evaluated: 2022-03-29. Review status: criteria provided, single submitter. Criteria: Invitae Variant Classification Sherloc (09022015). Collection method: clinical testing. Allele origin: germline.
Comment: This variant has not been reported in the literature in individuals affected with VPS13A-related conditions. For these reasons, this variant has been classified as Pathogenic. This variant is present in population databases (no rsID available, gnomAD 0.004%). This sequence change creates a premature translational stop signal (p.Arg1268*) in the VPS13A gene. It is expected to result in an absent or disrupted protein product. Loss-of-function variants in VPS13A are known to be pathogenic (PMID: 12404112, 21598378).

Literature cited by the submitters: PubMed 12404112; PubMed 21598378.

NM_033305.3(VPS13A):c.3802C>T (p.Arg1268Ter)

Gene: VPS13A (vacuolar protein sorting 13 homolog A; plus strand). Cytogenetic location: 9q21.2.
Variant type: single nucleotide variant.
Coding change: c.3802C>T on transcript NM_033305.3 (MANE Select); coding-DNA position 3802, C replaced by T.
Protein change: p.Arg1268Ter; replaces arginine 1268 with a stop codon.
Molecular consequence: nonsense.
Genome position (GRCh38, 1-based): chr9:77,295,836, C>T. VCF-style: chr9-77295836-C-T. GRCh37 (hg19) VCF-style: chr9-79910752-C-T.
Other names: c.3685C>T, p.Arg1229Ter (NM_001018037.2); c.3802C>T, p.Arg1268Ter (NM_001018038.3, NM_015186.4); short protein forms R1268*, R1229*.
Identifiers: ClinVar variation 2184590 (VCV002184590.4), dbSNP rs868638442, ClinGen allele CA194395297.